The following is an entry in ClinVar:

ClinVar aggregate classification (germline): Benign. Review status: criteria provided, multiple submitters, no conflicts (2 of 4 stars). 4 submissions from 4 submitters: Benign (4). Last evaluated 2026-01-21.

Conditions:
Holoprosencephaly 11 (HPE11). Identifiers: Orphanet 2162, MedGen C3280215, MONDO:0013642, OMIM 614226.

Allele frequency attached by ClinVar (database versions not stated): gnomAD exomes 0.00101 and 0.00242; ExAC 0.00296; gnomAD 0.00891 and 0.00955; TOPMed 0.01020; 1000 Genomes Project 30x 0.01046; 1000 Genomes Project 0.01098; ESP Exome Variant Server 0.01131.
gnomAD v4.1: 2,893 of 1,611,286 alleles (0.18%); highest among the groups gnomAD compares: African/African-American, 3.1%; 43 homozygotes.

Submissions (7):

Labcorp Genetics (formerly Invitae), Labcorp
Classification: Benign for Holoprosencephaly 11. Last evaluated: 2026-01-21. Review status: criteria provided, single submitter. Criteria: Invitae Variant Classification Sherloc (09022015). Collection method: clinical testing. Allele origin: germline.

Illumina Laboratory Services, Illumina
Classification: Benign for Holoprosencephaly 11. Last evaluated: 2018-01-13. Review status: criteria provided, single submitter. Criteria: ICSL Variant Classification Criteria 13 December 2019. Collection method: clinical testing. Allele origin: germline.
Comment: This variant was observed in the ICSL laboratory as part of a predisposition screen in an ostensibly healthy population. It had not been previously curated by ICSL or reported in the Human Gene Mutation Database (HGMD: prior to June 1st, 2018), and was therefore a candidate for classification through an automated scoring system. Utilizing variant allele frequency, disease prevalence and penetrance estimates, and inheritance mode, an automated score was calculated to assess if this variant is too frequent to cause the disease. Based on the score and internal cut-off values, a variant classified as benign is not then subjected to further curation. The score for this variant resulted in a classification of benign for this disease.

Breakthrough Genomics
Classification: Benign. Review status: criteria provided, single submitter. Criteria: ACMG Guidelines, 2015. Collection method: not provided. Allele origin: germline. Inheritance: Autosomal dominant inheritance. Affected: yes.

PreventionGenetics, part of Exact Sciences
Classification: Benign. Review status: criteria provided, single submitter. Criteria: ACMG Guidelines, 2015. Collection method: clinical testing. Allele origin: germline.

Dr. Peter K. Rogan Lab, Western University
No classification provided (evidence only). Condition: Clear cell carcinoma of kidney. Review status: no classification provided. Collection method: in vitro. Allele origin: not applicable. Functional consequence: retained intron. Not counted in ClinVar's aggregate classification.

Dr. Peter K. Rogan Lab, Western University
No classification provided (evidence only). Condition: Thyroid cancer, nonmedullary, 1. Review status: no classification provided. Collection method: in vitro. Allele origin: not applicable. Functional consequence: retained intron. Not counted in ClinVar's aggregate classification.

Dr. Peter K. Rogan Lab, Western University
No classification provided (evidence only). Condition: Ovarian serous cystadenocarcinoma. Review status: no classification provided. Collection method: in vitro. Allele origin: not applicable. Functional consequence: retained intron. Not counted in ClinVar's aggregate classification.

NM_001378964.1(CDON):c.9G>A (p.Pro3=)

Gene: CDON (cell adhesion associated, oncogene regulated; minus strand). Cytogenetic location: 11q24.2.
Variant type: single nucleotide variant.
Coding change: c.9G>A on transcript NM_001378964.1 (MANE Select); coding-DNA position 9, G replaced by A.
Protein change: p.Pro3=; no amino-acid change (proline 3 retained).
Molecular consequence: synonymous variant.
Genome position (GRCh38, 1-based): chr11:126,023,468, C>T on the plus strand (G>A on the coding strand, the complement: CDON is on the minus strand). VCF-style: chr11-126023468-C-T. GRCh37 (hg19) VCF-style: chr11-125893363-C-T.
Other names: c.9G>A, p.Pro3= (NM_001243597.3, NM_016952.6).
Identifiers: ClinVar variation 260806 (VCV000260806.16), dbSNP rs113593771, ClinGen allele CA6352449.
Genomic context (GRCh38, chr11:126,023,468, plus strand): 5'-CACAGAAGAGCACAGAATTGTAAGAGTAACATACAGCAGTGTACATAAGGGTCCAAGATC[C>T]GGATGCATAGCGCCAGATTACAGAAGCAATCAGGACAGGCTTCCAGAGCAAAACCCAGTC-3'
Protein context (NP_001365893.1, residues 1-13): MH[Pro3=]DLGPLCTLLY